The following is an entry in ClinVar:

NM_005901.6(SMAD2):c.1027G>A (p.Gly343Arg)

Gene: SMAD2 (SMAD family member 2; minus strand). Cytogenetic location: 18q21.1.
Variant type: single nucleotide variant.
Coding change: c.1027G>A on transcript NM_005901.6 (MANE Select); coding-DNA position 1027, G replaced by A.
Protein change: p.Gly343Arg; replaces glycine 343 with arginine.
Molecular consequence: missense variant.
Genome position (GRCh38, 1-based): chr18:47,845,771, C>T on the plus strand (G>A on the coding strand, the complement: SMAD2 is on the minus strand). VCF-style: chr18-47845771-C-T. GRCh37 (hg19) VCF-style: chr18-45372142-C-T.
Other names: c.1027G>A, p.Gly343Arg (NM_001003652.4); c.937G>A, p.Gly313Arg (NM_001135937.3); short protein forms G313R, G343R.
Identifiers: ClinVar variation 3798791 (VCV003798791.1).
Genomic context (GRCh38, chr18:47,845,771, plus strand): 5'-TACAATTGGGGCTCTGCACAAAGATTGCACTATCACTTAGGCACTCAGCAAAAACTTCCC[C>T]ACCTATGTAGTATAAGCGCACTCCTCTTCCTGAAACAAAATACAAATGAGATTAGTTTTG-3'
Protein context (NP_005892.1, residues 333-353): GRGVRLYYIG[Gly343Arg]EVFAECLSDS

ClinVar aggregate classification (germline): Uncertain significance (1 of 4 stars; one submission).

Conditions:
Inborn genetic diseases. Identifiers: MedGen C0950123, MeSH D030342.

Submission:

Ambry Genetics
Classification: Uncertain significance for Inborn genetic diseases. Last evaluated: 2025-01-10. Review status: criteria provided, single submitter. Criteria: Ambry Variant Classification Scheme 2023. Collection method: clinical testing. Allele origin: germline.
Comment: The p.G343R variant (also known as c.1027G>A), located in coding exon 8 of the SMAD2 gene, results from a G to A substitution at nucleotide position 1027. The glycine at codon 343 is replaced by arginine, an amino acid with dissimilar properties. This amino acid position is conserved. In addition, this alteration is predicted to be deleterious by in silico analysis. Based on the available evidence, the clinical significance of this variant remains unclear.